The following is an entry in ClinVar:

NM_031935.3(HMCN1):c.2996C>G (p.Thr999Ser)

Gene: HMCN1 (hemicentin 1; plus strand). Cytogenetic location: 1q31.1.
Variant type: single nucleotide variant.
Coding change: c.2996C>G on transcript NM_031935.3 (MANE Select); coding-DNA position 2996, C replaced by G.
Protein change: p.Thr999Ser; replaces threonine 999 with serine.
Molecular consequence: missense variant.
Genome position (GRCh38, 1-based): chr1:185,987,492, C>G. VCF-style: chr1-185987492-C-G. GRCh37 (hg19) VCF-style: chr1-185956624-C-G.
Other names: short protein forms T999S.
Identifiers: ClinVar variation 2068749 (VCV002068749.4), dbSNP rs780299066, ClinGen allele CA343890381.

ClinVar aggregate classification (germline): Uncertain significance (1 of 4 stars; one submission).

Allele frequency attached by ClinVar (database versions not stated): TOPMed below 0.00001.
gnomAD v4.1: 1 of 1,613,980 alleles (0.000062%); highest among the groups gnomAD compares: Non-Finnish European, 0.000085%; no homozygotes.

Submission:

Labcorp Genetics (formerly Invitae), Labcorp
Classification: Uncertain significance. Last evaluated: 2022-09-15. Review status: criteria provided, single submitter. Criteria: Invitae Variant Classification Sherloc (09022015). Collection method: clinical testing. Allele origin: germline.
Comment: This variant is present in population databases (no rsID available, gnomAD 0.0009%). This sequence change replaces threonine, which is neutral and polar, with serine, which is neutral and polar, at codon 999 of the HMCN1 protein (p.Thr999Ser). This variant has not been reported in the literature in individuals affected with HMCN1-related conditions. Algorithms developed to predict the effect of missense changes on protein structure and function output the following: SIFT: "Tolerated"; PolyPhen-2: "Possibly Damaging"; Align-GVGD: "Class C0". The serine amino acid residue is found in multiple mammalian species, which suggests that this missense change does not adversely affect protein function. Algorithms developed to predict the effect of sequence changes on RNA splicing suggest that this variant may create or strengthen a splice site. In summary, the available evidence is currently insufficient to determine the role of this variant in disease. Therefore, it has been classified as a Variant of Uncertain Significance.